The following is an entry in ClinVar:

ClinVar aggregate classification (germline): Uncertain significance. Review status: reviewed by expert panel (3 of 4 stars). 3 submissions from 3 submitters: Uncertain significance (1). 2 of the submissions do not count toward it. Last evaluated 2025-05-20.

Conditions:
RPGR-related retinopathy. Also called: RPGR retinopathy. Identifiers: MedGen CN305589, MONDO:0100437.
Macular dystrophy. Identifiers: MedGen C0730292, HP:0007754.
Primary ciliary dyskinesia. Also called: Ciliary dyskinesia. Identifiers: Orphanet 244, MedGen C0008780, MONDO:0016575, HP:0012265.

Allele frequency attached by ClinVar (database versions not stated): gnomAD exomes below 0.00001.
gnomAD v4.1: 1 of 1,211,524 alleles (0.000083%); highest among the groups gnomAD compares: Non-Finnish European, 0.00011%; no homozygotes.

Submissions (3):

ClinGen X-linked Inherited Retinal Disease Variant Curation Expert Panel, ClinGen
Classification: Uncertain significance for RPGR-related retinopathy. Last evaluated: 2025-05-20. Review status: reviewed by expert panel. Criteria: ClinGen X LinkedIRD ACMG Specifications RPGR V1.0.0. Collection method: curation. Allele origin: germline. Inheritance: X-linked inheritance.
Comment: NM_001034853.2(RPGR):c.3423G>T (p.Trp1141Cys) is a missense variant encoding substitution of tryptophan with cysteine at residue 1141. This variant is absent from hemizygous individuals in gnomAD v4.1.0 (PM2_Supporting). The computational predictor REVEL gives a score of 0.2, which is below the ClinGen X-linked IRD VCEP threshold of <0.290 and predicts a non-damaging effect on RPGR function. Additionally, the splicing impact predictor SpliceAI gives a delta score of 0.00, which is below the ClinGen X-linked IRD VCEP recommended threshold of <0.1 and does not strongly predict an impact on splicing (BP4). This variant has been reported in at least 1 proband meeting the PS4 requirement of some functional vision impairment in an affected male by age 30 years, with decreased fundus autofluorescence responses (PMID: 32278709). However, PS4_Supporting requires at least 2 unrelated probands, so this criterion was not met. In summary, this variant is classified as a variant of uncertain significance for RPGR-related retinopathy based on the ClinGen X-linked Inherited Retinal Disease Expert Panel Specifications to the ACMG/AMP Variant Interpretation Guidelines for RPGR Version 1.0.0; PM2_Supporting and BP4. (date of approval 05/16/2025).

Labcorp Genetics (formerly Invitae), Labcorp
Classification: Uncertain significance for Primary ciliary dyskinesia. Last evaluated: 2024-02-17. Review status: criteria provided, single submitter. Criteria: Invitae Variant Classification Sherloc (09022015). Collection method: clinical testing. Allele origin: germline. Not counted in ClinVar's aggregate classification.
Comment: This sequence change replaces tryptophan, which is neutral and slightly polar, with cysteine, which is neutral and slightly polar, at codon 1141 of the RPGR (ORF15) protein (p.Trp1141Cys). This variant is not present in population databases (gnomAD no frequency). This variant has not been reported in the literature in individuals affected with RPGR (ORF15)-related conditions. ClinVar contains an entry for this variant (Variation ID: 1012373). Advanced modeling of protein sequence and biophysical properties (such as structural, functional, and spatial information, amino acid conservation, physicochemical variation, residue mobility, and thermodynamic stability) performed at Invitae indicates that this missense variant is not expected to disrupt RPGR (ORF15) protein function with a negative predictive value of 95%. In summary, the available evidence is currently insufficient to determine the role of this variant in disease. Therefore, it has been classified as a Variant of Uncertain Significance.

Center for Human Genetics and Genomic Medicine, Uniklinik Rwth Aachen
Classification: Uncertain significance for Macular dystrophy. Last evaluated: 2021-03-10. Review status: criteria provided, single submitter. Criteria: ACMG Guidelines, 2015. Collection method: clinical testing. Allele origin: unknown. Inheritance: X-linked inheritance. Affected: yes. Not counted in ClinVar's aggregate classification.
Comment: The variant has not yet been listed in the relevant databases (dbSNP151, gnomAD, ClinVar). It is mentioned in the literature in a patient with "bull's-eye" maculopathy (Cremers et al., 2020). In bioinformatics, the change is classified as "probably causing disease" (PolyPhen2, Mutation Taster, SIFT, CADDphred 24.8). It affects the exon ORF15, which represents a mutation hotspot in the RPGR gene (Vervoort et al 2000, Pusch et al 2002). Based on the current state of knowledge, the variant is to be classified as a "variant of uncertain clinical significance" (ACMG criteria).

NM_001034853.2(RPGR):c.3423G>T (p.Trp1141Cys)

Gene: RPGR (retinitis pigmentosa GTPase regulator; minus strand). Cytogenetic location: Xp11.4.
Variant type: single nucleotide variant.
Coding change: c.3423G>T on transcript NM_001034853.2 (MANE Select); coding-DNA position 3423, G replaced by T.
Protein change: p.Trp1141Cys; replaces tryptophan 1141 with cysteine.
Molecular consequence: missense variant. On other transcripts: intron variant (8).
Genome position (GRCh38, 1-based): chrX:38,285,576, C>A on the plus strand (G>T on the coding strand, the complement: RPGR is on the minus strand). VCF-style: chrX-38285576-C-A. GRCh37 (hg19) VCF-style: chrX-38144829-C-A.
Other names: NM_001034853.2(RPGR):c.3423G>T; p.Trp1141Cys; c.1569+5383G>T (NM_001367249.1, NM_001367250.1); c.1902+1518G>T (NM_001367245.1); c.1386+5383G>T (NM_001367251.1); c.1719+1518G>T (NM_001367246.1); c.1572+5383G>T (NM_001367247.1); c.1905+1518G>T (NM_000328.3); and 1 more; short protein forms W1141C.
Identifiers: ClinVar variation 1012373 (VCV001012373.5), dbSNP rs2067111911, ClinGen allele CA412726237.